The following is an entry in ClinVar:

ClinVar aggregate classification (germline): Uncertain significance (1 of 4 stars; one submission).

Submission:

Labcorp Genetics (formerly Invitae), Labcorp
Classification: Uncertain significance. Last evaluated: 2026-02-01. Review status: criteria provided, single submitter. Criteria: Invitae Variant Classification Sherloc (09022015). Collection method: clinical testing. Allele origin: germline.
Comment: This sequence change replaces glycine, which is neutral and non-polar, with arginine, which is basic and polar, at codon 18 of the ANGPT1 protein (p.Gly18Arg). This variant is not present in population databases (gnomAD no frequency). This variant has not been reported in the literature in individuals affected with ANGPT1-related conditions. An algorithm developed to predict the effect of missense changes on protein structure and function (PolyPhen-2) suggests that this variant is likely to be tolerated. Algorithms developed to predict the effect of sequence changes on RNA splicing suggest that this variant may create or strengthen a splice site. In summary, the available evidence is currently insufficient to determine the role of this variant in disease. Therefore, it has been classified as a Variant of Uncertain Significance.

NM_001146.5(ANGPT1):c.52G>C (p.Gly18Arg)

Gene: ANGPT1 (angiopoietin 1; minus strand). Cytogenetic location: 8q23.1.
Variant type: single nucleotide variant.
Coding change: c.52G>C on transcript NM_001146.5 (MANE Select); coding-DNA position 52, G replaced by C.
Protein change: p.Gly18Arg; replaces glycine 18 with arginine.
Molecular consequence: missense variant.
Genome position (GRCh38, 1-based): chr8:107,497,507, C>G on the plus strand (G>C on the coding strand, the complement: ANGPT1 is on the minus strand). VCF-style: chr8-107497507-C-G. GRCh37 (hg19) VCF-style: chr8-108509735-C-G.
Other names: c.52G>C, p.Gly18Arg (NM_001199859.3); short protein forms G18R.
Identifiers: ClinVar variation 4736550 (VCV004736550.1).
Genomic context (GRCh38, chr8:107,497,507, plus strand): 5'-GTTGAATCCGGTTATATCTTCTCCCACTGTTTTCTGGACTTCGGCGCTGATTGCTGCACC[C>G]TATGTGAGTCAGAATGGCAGCGAGGAAAGCAAAGGAAAGGAAAACTGTCATTGTACTGCC-3'
Protein context (NP_001137.2, residues 8-28): AFLAAILTHI[Gly18Arg]CSNQRRSPEN